The following is an entry in ClinVar:

NM_001348716.2(KDM6B):c.1323G>A (p.Ser441=)

Gene: KDM6B (lysine demethylase 6B; plus strand). Cytogenetic location: 17p13.1.
Variant type: single nucleotide variant.
Coding change: c.1323G>A on transcript NM_001348716.2 (MANE Select); coding-DNA position 1323, G replaced by A.
Protein change: p.Ser441=; no amino-acid change (serine 441 retained).
Molecular consequence: synonymous variant.
Genome position (GRCh38, 1-based): chr17:7,847,611, G>A. VCF-style: chr17-7847611-G-A. GRCh37 (hg19) VCF-style: chr17-7750929-G-A.
Other names: c.1323G>A, p.Ser441= (NM_001080424.2).
Identifiers: ClinVar variation 3031871 (VCV003031871.2), dbSNP rs777385911, ClinGen allele CA8360612.
Genomic context (GRCh38, chr17:7,847,611, plus strand): 5'-CGCTGACCATTACCAAACTCCCGCGCTGGAGGTCTCTCACCATGGCCGCCTGGGGCCCTC[G>A]GCACACAGCAGTCGGAAACCGTTCTTGGGGGCTCCCGCTGCCACTCCCCACCTATCCCTG-3'
Protein context (NP_001335645.1, residues 431-451): EVSHHGRLGP[Ser441=]AHSSRKPFLG

ClinVar aggregate classification (germline): Likely benign (0 of 4 stars; one submission).

Conditions:
KDM6B-related disorder. Also called: KDM6B-related condition.

Allele frequency attached by ClinVar (database versions not stated): gnomAD exomes 0.00001; ExAC 0.00003; TOPMed 0.00006; gnomAD 0.00009.
gnomAD v4.1: 41 of 1,612,278 alleles (0.0025%); highest among the groups gnomAD compares: Admixed American, 0.043%; no homozygotes.

Submission:

PreventionGenetics, part of Exact Sciences
Classification: Likely benign for KDM6B-related condition. Last evaluated: 2023-02-27. Review status: no assertion criteria provided. Collection method: clinical testing. Allele origin: germline.
Comment: This variant is classified as likely benign based on ACMG/AMP sequence variant interpretation guidelines (Richards et al. 2015 PMID: 25741868, with internal and published modifications).